The following is an entry in ClinVar:

ClinVar aggregate classification (germline): Uncertain significance (1 of 4 stars; one submission).

Conditions:
Joubert syndrome. Also called: Familial aplasia of the vermis; CEREBELLOPARENCHYMAL DISORDER IV; JOUBERT-BOLTSHAUSER SYNDROME. Identifiers: Orphanet 475, MedGen C5979921, MONDO:0018772.
Meckel-Gruber syndrome. Also called: Dysencephalia splachnocystica; DYSENCEPHALIA SPLANCHNOCYSTICA; GRUBER SYNDROME. Identifiers: Orphanet 564, MedGen C0265215, MONDO:0018921.
Nephronophthisis. Also called: Juvenile Nephronophthisis. Identifiers: Orphanet 655, MedGen C0687120, MONDO:0019005, HP:0000090.

Submission:

Labcorp Genetics (formerly Invitae), Labcorp
Classification: Uncertain significance for Joubert syndrome; Meckel-Gruber syndrome; Nephronophthisis. Last evaluated: 2020-09-23. Review status: criteria provided, single submitter. Criteria: Invitae Variant Classification Sherloc (09022015). Collection method: clinical testing. Allele origin: germline.
Comment: This variant is not present in population databases (ExAC no frequency). In summary, the available evidence is currently insufficient to determine the role of this variant in disease. Therefore, it has been classified as a Variant of Uncertain Significance. Algorithms developed to predict the effect of missense changes on protein structure and function output the following: SIFT: "Tolerated"; PolyPhen-2: "Benign"; Align-GVGD: "Class C0". The threonine amino acid residue is found in multiple mammalian species, suggesting that this missense change does not adversely affect protein function. These predictions have not been confirmed by published functional studies and their clinical significance is uncertain. This variant has not been reported in the literature in individuals with CEP290-related conditions. This sequence change replaces serine with threonine at codon 1982 of the CEP290 protein (p.Ser1982Thr). The serine residue is moderately conserved and there is a small physicochemical difference between serine and threonine.

NM_025114.4(CEP290):c.5944T>A (p.Ser1982Thr)

Gene: CEP290 (centrosomal protein 290; minus strand). Cytogenetic location: 12q21.32.
Variant type: single nucleotide variant.
Coding change: c.5944T>A on transcript NM_025114.4 (MANE Select); coding-DNA position 5944, T replaced by A.
Protein change: p.Ser1982Thr; replaces serine 1982 with threonine.
Molecular consequence: missense variant.
Genome position (GRCh38, 1-based): chr12:88,071,361, A>T on the plus strand (T>A on the coding strand, the complement: CEP290 is on the minus strand). VCF-style: chr12-88071361-A-T. GRCh37 (hg19) VCF-style: chr12-88465138-A-T.
Other names: short protein forms S1982T.
Identifiers: ClinVar variation 1002619 (VCV001002619.9), dbSNP rs2035360147, ClinGen allele CA385983619.
Genomic context (GRCh38, chr12:88,071,361, plus strand): 5'-ACAATATATCATTTTCTAAGTCAAGATTTCTCTTTTTTAATTCTTCCAATTCTTTTTCTG[A>T]CTCCAAAGCTCGTATTCCCAAAACCTGATCAACAGTCATGCCAGTTGTTTTTAGTTTCCT-3'
Protein context (NP_079390.3, residues 1972-1992): DQVLGIRALE[Ser1982Thr]EKELEELKKR